The following is an entry in ClinVar:

ClinVar aggregate classification (germline): Likely benign. Review status: criteria provided, multiple submitters, no conflicts (2 of 4 stars). 3 submissions from 3 submitters: Likely benign (2). 1 of the submissions does not count toward it. Last evaluated 2026-01-11.

Conditions:
PEX16-related disorder. Also called: PEX16-related condition.
Peroxisome biogenesis disorder. Identifiers: Orphanet 79189, MedGen C1832200, MONDO:0019234. Disease mechanism: loss of function.

Allele frequency attached by ClinVar (database versions not stated): TOPMed 0.00009; ESP Exome Variant Server 0.00023; gnomAD 0.00023 and 0.00026; gnomAD exomes 0.00026 and 0.00031; ExAC 0.00034.
gnomAD v4.1: 480 of 1,613,614 alleles (0.03%); highest among the groups gnomAD compares: Non-Finnish European, 0.033%; 1 homozygote.

Submissions (3):

Labcorp Genetics (formerly Invitae), Labcorp
Classification: Likely benign for Peroxisome biogenesis disorder. Last evaluated: 2026-01-11. Review status: criteria provided, single submitter. Criteria: Invitae Variant Classification Sherloc (09022015). Collection method: clinical testing. Allele origin: germline.

Blueprint Genetics
Classification: Likely benign. Last evaluated: 2024-04-04. Review status: criteria provided, single submitter. Criteria: ACMG Guidelines, 2015. Collection method: clinical testing. Allele origin: germline.

PreventionGenetics, part of Exact Sciences
Classification: Likely benign for PEX16-related condition. Last evaluated: 2024-05-30. Review status: no assertion criteria provided. Collection method: clinical testing. Allele origin: germline. Not counted in ClinVar's aggregate classification.
Comment: This variant is classified as likely benign based on ACMG/AMP sequence variant interpretation guidelines (Richards et al. 2015 PMID: 25741868, with internal and published modifications).

NM_004813.4(PEX16):c.846C>T (p.Leu282=)

Gene: PEX16 (peroxisomal biogenesis factor 16; minus strand). Cytogenetic location: 11p11.2.
Variant type: single nucleotide variant.
Coding change: c.846C>T on transcript NM_004813.4 (MANE Select); coding-DNA position 846, C replaced by T.
Protein change: p.Leu282=; no amino-acid change (leucine 282 retained).
Molecular consequence: synonymous variant.
Genome position (GRCh38, 1-based): chr11:45,913,860, G>A on the plus strand (C>T on the coding strand, the complement: PEX16 is on the minus strand). VCF-style: chr11-45913860-G-A. GRCh37 (hg19) VCF-style: chr11-45935411-G-A.
Other names: c.846C>T, p.Leu282= (NM_057174.3); c.846C>T (NM_004813.2).
Identifiers: ClinVar variation 1157500 (VCV001157500.11), dbSNP rs148019119, ClinGen allele CA5959800.